The following is an entry in ClinVar:

NM_020911.2(PLXNA4):c.1416G>A (p.Thr472=)

Gene: PLXNA4 (plexin A4; minus strand). Cytogenetic location: 7q32.3.
Variant type: single nucleotide variant.
Coding change: c.1416G>A on transcript NM_020911.2 (MANE Select); coding-DNA position 1416, G replaced by A.
Protein change: p.Thr472=; no amino-acid change (threonine 472 retained).
Molecular consequence: synonymous variant.
Genome position (GRCh38, 1-based): chr7:132,298,178, C>T on the plus strand (G>A on the coding strand, the complement: PLXNA4 is on the minus strand). VCF-style: chr7-132298178-C-T. GRCh37 (hg19) VCF-style: chr7-131982937-C-T.
Other names: c.1416G>A, p.Thr472= (NM_001393897.1).
Identifiers: ClinVar variation 3032585 (VCV003032585.2), dbSNP rs202104493, ClinGen allele CA4490157.

ClinVar aggregate classification (germline): Likely benign (0 of 4 stars; one submission).

Conditions:
PLXNA4-related disorder. Also called: PLXNA4-related condition.

Allele frequency attached by ClinVar (database versions not stated): ESP Exome Variant Server 0.00008.
gnomAD v4.1: 77 of 1,614,006 alleles (0.0048%); highest among the groups gnomAD compares: South Asian, 0.026%; no homozygotes.

Submission:

PreventionGenetics, part of Exact Sciences
Classification: Likely benign for PLXNA4-related condition. Last evaluated: 2023-01-19. Review status: no assertion criteria provided. Collection method: clinical testing. Allele origin: germline.
Comment: This variant is classified as likely benign based on ACMG/AMP sequence variant interpretation guidelines (Richards et al. 2015 PMID: 25741868, with internal and published modifications).